The following is an entry in ClinVar:

NM_002880.4(RAF1):c.1668+4A>G

Gene: RAF1 (Raf-1 proto-oncogene, serine/threonine kinase; minus strand). Cytogenetic location: 3p25.2.
Variant type: single nucleotide variant.
Coding change: c.1668+4A>G on transcript NM_002880.4 (MANE Select); 4 bases into the intron after coding-DNA position 1668, A replaced by G.
Molecular consequence: intron variant.
Genome position (GRCh38, 1-based): chr3:12,585,118, T>C on the plus strand (A>G on the coding strand, the complement: RAF1 is on the minus strand). VCF-style: chr3-12585118-T-C. GRCh37 (hg19) VCF-style: chr3-12626617-T-C.
Other names: c.1326+4A>G (NM_001354695.3); c.1425+4A>G (NM_001354692.3, NM_001354691.3); c.1485+4A>G (NM_001354694.3); c.1569+4A>G (NM_001354693.3); c.1728+4A>G (NM_001354689.3); c.1668+4A>G (NM_001354690.3).
Identifiers: ClinVar variation 285438 (VCV000285438.23), dbSNP rs771344560, ClinGen allele CA2259454.
Genomic context (GRCh38, chr3:12,585,118, plus strand): 5'-CTTAGGCTGGCGGAGGCCCAGGGGCTCCCACGAGTTGGGTCCTTTCGCACCAGCACAGAC[T>C]TACCTGATCTCGGTTGTTGATGTGAGAATAAGGAAGCTCCCCCGTCATCAGTTCATACAA-3'

ClinVar aggregate classification (germline): Benign. Review status: reviewed by expert panel (3 of 4 stars). 7 submissions from 7 submitters: Benign (1). 6 of the submissions do not count toward it. Last evaluated 2017-04-18.

Conditions:
Cardiovascular phenotype. Identifiers: MedGen CN230736.
RASopathy. Also called: rasopathies; Noonan spectrum disorder. Identifiers: Orphanet 536391, MedGen C5555857, MONDO:0021060.

Allele frequency attached by ClinVar (database versions not stated): gnomAD 0.00002; TOPMed 0.00005; gnomAD exomes 0.00007 and 0.00015; ExAC 0.00010.
gnomAD v4.1: 45 of 1,614,030 alleles (0.0028%); highest among the groups gnomAD compares: Admixed American, 0.075%; no homozygotes.

Submissions (7):

ClinGen RASopathy Variant Curation Expert Panel
Classification: Benign for Noonan syndrome and Noonan-related syndrome. Last evaluated: 2017-04-18. Review status: reviewed by expert panel. Criteria: ClinGen RASopathy ACMG Specifications v1. Collection method: curation. Allele origin: germline. Inheritance: Autosomal dominant inheritance.
Comment: The filtering allele frequency of the c.1668+4A>G variant in the RAF1 gene is 0.053% (11/11576) of Latino chromosomes by the Exome Aggregation Consortium, which is a high enough frequency to be classified as benign based on thresholds defined by the ClinGen RASopathy Expert Panel (BA1; PMID:29493581)

CeGaT Center for Human Genetics Tuebingen
Classification: Likely benign. Last evaluated: 2026-06-01. Review status: criteria provided, single submitter. Criteria: CeGaT Center For Human Genetics Tuebingen Variant Classification Criteria Version 2. Collection method: clinical testing. Allele origin: germline. Affected: yes. Observed: 1 variant allele. Not counted in ClinVar's aggregate classification.
Comment: RAF1: BP4

Labcorp Genetics (formerly Invitae), Labcorp
Classification: Likely benign for RASopathy. Last evaluated: 2026-01-14. Review status: criteria provided, single submitter. Criteria: Invitae Variant Classification Sherloc (09022015). Collection method: clinical testing. Allele origin: germline. Not counted in ClinVar's aggregate classification.

Ambry Genetics
Classification: Benign for Cardiovascular phenotype. Last evaluated: 2020-12-14. Review status: criteria provided, single submitter. Criteria: Ambry Variant Classification Scheme 2023. Collection method: clinical testing. Allele origin: germline. Not counted in ClinVar's aggregate classification.

GeneDx
Classification: Benign. Last evaluated: 2020-06-23. Review status: criteria provided, single submitter. Criteria: GeneDx Variant Classification Process June 2021. Collection method: clinical testing. Allele origin: germline. Affected: yes. Not counted in ClinVar's aggregate classification.

Women's Health and Genetics/Laboratory Corporation of America, LabCorp
Classification: Benign. Last evaluated: 2019-02-11. Review status: criteria provided, single submitter. Criteria: LabCorp Variant Classification Summary - May 2015. Collection method: clinical testing. Allele origin: germline. Not counted in ClinVar's aggregate classification.
Comment: Variant summary: RAF1 c.1668+4A>G alters a non-conserved nucleotide located close to a canonical splice site and therefore could affect mRNA splicing, leading to a significantly altered protein sequence. Several computational tools predict an impact on normal splicing: Five predict the no significant impact on splicing. Four predict the variant strengthens a cryptic intronic 5' donor site. However, these predictions have yet to be confirmed by functional studies The variant allele was found at a frequency of 0.00013 in 276966 control chromosomes (gnomAD), reported exclusively within the Latino subpopulation at a frequency of 0.0011 in the gnomAD database. The observed variant frequency within Latino control individuals in the gnomAD database is approximately 44 fold of the estimated maximal expected allele frequency for a pathogenic variant in RAF1 causing Noonan Syndrome and Related Conditions phenotype (2.5e-05), strongly suggesting that the variant is a benign polymorphism found primarily in populations of Latino origin. To our knowledge, no occurrence of c.1668+4A>G in individuals affected with Noonan Syndrome and Related Conditions and no experimental evidence demonstrating its impact on protein function have been reported. Four clinical diagnostic laboratories have submitted clinical-significance assessments for this variant to ClinVar after 2014 without evidence for independent evaluation. Multiple laboratories reported the variant with conflicting assessments (2 calling it VUS, and one classifying it as likely benign, and the ClinGen expert panel has classified it as Benign). Based on the evidence outlined above, the variant was classified as benign.

Eurofins Ntd Llc (ga)
Classification: Uncertain significance. Last evaluated: 2016-01-04. Review status: criteria provided, single submitter. Criteria: EGL Classification Definitions 2015. Collection method: clinical testing. Allele origin: germline. Observed: 1 variant allele, 1 heterozygote. Not counted in ClinVar's aggregate classification.